The following is an entry in ClinVar:

NM_001033053.3(NLRP1):c.*351T>A

Gene: NLRP1 (NLR family pyrin domain containing 1; minus strand). Cytogenetic location: 17p13.2.
Variant type: single nucleotide variant.
Coding change: c.*351T>A on transcript NM_001033053.3; 351 bases downstream of the stop codon, T replaced by A.
Molecular consequence: 3 prime UTR variant.
Genome position (GRCh38, 1-based): chr17:5,501,463, A>T on the plus strand (T>A on the coding strand, the complement: NLRP1 is on the minus strand). VCF-style: chr17-5501463-A-T. GRCh37 (hg19) VCF-style: chr17-5404783-A-T.
Identifiers: ClinVar variation 103013 (VCV000103013.4), dbSNP rs199475705, ClinGen allele CA018489.
Genomic context (GRCh38, chr17:5,501,463, plus strand): 5'-TTTTAAATTTTAATCTTAATGCGTGAAAAAGCTAACACATCATCTTTGTAGAAAACTAGA[A>T]ATTGAGAAAACAGTGTAGGCAAAATCAGTAGTAAAATAAAGCCTCCCACAATCCCAAGGT-3'

ClinVar aggregate classification (germline): not provided (0 of 4 stars; one submission).

Allele frequency attached by ClinVar (database versions not stated): gnomAD 0.00009 and 0.00016; TOPMed 0.00018; gnomAD exomes 0.00006.

Submission:

Human Evolutionary Genetics, Institut Pasteur
No classification provided. Review status: no classification provided. Collection method: not provided. Allele origin: germline.
ClinVar note: Converted during submission from untested to not provided.